The following is an entry in ClinVar:

NM_004656.4(BAP1):c.123-10C>A

Gene: BAP1 (BRCA1 associated deubiquitinase 1; minus strand). Cytogenetic location: 3p21.1.
Variant type: single nucleotide variant.
Coding change: c.123-10C>A on transcript NM_004656.4 (MANE Select); 10 bases into the intron before coding-DNA position 123, C replaced by A.
Molecular consequence: intron variant.
Genome position (GRCh38, 1-based): chr3:52,408,616, G>T on the plus strand (C>A on the coding strand, the complement: BAP1 is on the minus strand). VCF-style: chr3-52408616-G-T. GRCh37 (hg19) VCF-style: chr3-52442632-G-T.
Identifiers: ClinVar variation 1332133 (VCV001332133.8), dbSNP rs1420847667, ClinGen allele CA908113543.

ClinVar aggregate classification (germline): Conflicting classifications of pathogenicity. Review status: criteria provided, conflicting classifications (1 of 4 stars). 2 submissions from 2 submitters: Uncertain significance (1); Likely benign (1). Last evaluated 2023-09-25.

Conditions:
BAP1-related tumor predisposition syndrome (TPDS1). Also called: Tumor susceptibility linked to germline BAP1 mutations; BAP1 tumor predisposition syndrome; COMMON Syndrome; TUMOR PREDISPOSITION SYNDROME 1. Identifiers: Orphanet 289539, MedGen C3280492, MONDO:0013692, OMIM 614327.
Hereditary cancer-predisposing syndrome. Also called: Tumor predisposition; Hereditary Cancer Syndrome; Neoplastic Syndromes, Hereditary; Hereditary neoplastic syndrome. Identifiers: Orphanet 140162, MedGen C0027672, MeSH D009386, MONDO:0015356.

Allele frequency attached by ClinVar (database versions not stated): TOPMed 0.00001.

Submissions (2):

Labcorp Genetics (formerly Invitae), Labcorp
Classification: Likely benign for BAP1-related tumor predisposition syndrome. Last evaluated: 2023-09-25. Review status: criteria provided, single submitter. Criteria: Invitae Variant Classification Sherloc (09022015). Collection method: clinical testing. Allele origin: germline.

Color Diagnostics, LLC DBA Color Health
Classification: Uncertain significance for Hereditary cancer-predisposing syndrome. Last evaluated: 2021-03-16. Review status: criteria provided, single submitter. Criteria: ACMG Guidelines, 2015. Collection method: clinical testing. Allele origin: germline.
Comment: This variant causes a C to A nucleotide substitution at the -10 position of intron 3 of the BAP1 gene. To our knowledge, functional studies have not been reported for this variant. This variant has not been reported in individuals affected with hereditary cancer in the literature. This variant has not been identified in the general population by the Genome Aggregation Database (gnomAD). The available evidence is insufficient to determine the role of this variant in disease conclusively. Therefore, this variant is classified as a Variant of Uncertain Significance.